The following is an entry in ClinVar:

ClinVar aggregate classification (germline): Uncertain significance (1 of 4 stars; one submission).

Submission:

Labcorp Genetics (formerly Invitae), Labcorp
Classification: Uncertain significance. Last evaluated: 2022-09-14. Review status: criteria provided, single submitter. Criteria: Invitae Variant Classification Sherloc (09022015). Collection method: clinical testing. Allele origin: germline.
Comment: This sequence change replaces valine, which is neutral and non-polar, with isoleucine, which is neutral and non-polar, at codon 628 of the RIPK1 protein (p.Val628Ile). This variant is not present in population databases (gnomAD no frequency). This variant has not been reported in the literature in individuals affected with RIPK1-related conditions. Algorithms developed to predict the effect of missense changes on protein structure and function are either unavailable or do not agree on the potential impact of this missense change (SIFT: "Not Available"; PolyPhen-2: "Probably Damaging"; Align-GVGD: "Not Available"). In summary, the available evidence is currently insufficient to determine the role of this variant in disease. Therefore, it has been classified as a Variant of Uncertain Significance.

NM_001354930.2(RIPK1):c.1882G>A (p.Val628Ile)

Gene: RIPK1 (receptor interacting serine/threonine kinase 1; plus strand). Cytogenetic location: 6p25.2.
Variant type: single nucleotide variant.
Coding change: c.1882G>A on transcript NM_001354930.2 (MANE Select); coding-DNA position 1882, G replaced by A.
Protein change: p.Val628Ile; replaces valine 628 with isoleucine.
Molecular consequence: missense variant.
Genome position (GRCh38, 1-based): chr6:3,113,205, G>A. VCF-style: chr6-3113205-G-A. GRCh37 (hg19) VCF-style: chr6-3113439-G-A.
Other names: c.1393G>A, p.Val465Ile (NM_001317061.3, NM_001354932.2, NM_001354933.2 and 1 more transcripts); c.1744G>A, p.Val582Ile (NM_001354931.2); c.1882G>A, p.Val628Ile (NM_003804.6); short protein forms V582I, V465I, V628I.
Identifiers: ClinVar variation 2117889 (VCV002117889.4), dbSNP rs2533401830, ClinGen allele CA362578279.